The following is an entry in ClinVar:

ClinVar aggregate classification (germline): Benign (1 of 4 stars; one submission).

Allele frequency attached by ClinVar (database versions not stated): TOPMed 0.17789; gnomAD 0.18172; 1000 Genomes Project 0.23882; 1000 Genomes Project 30x 0.23891.
gnomAD v4.1: 26,479 of 152,140 alleles (17%); highest among the groups gnomAD compares: East Asian, 44%; 2,663 homozygotes.

Submission:

GeneDx
Classification: Benign. Last evaluated: 2018-06-18. Review status: criteria provided, single submitter. Criteria: GeneDx Variant Classification (06012015). Collection method: clinical testing. Allele origin: germline. Affected: yes.
Comment: This variant is considered likely benign or benign based on one or more of the following criteria: it is a conservative change, it occurs at a poorly conserved position in the protein, it is predicted to be benign by multiple in silico algorithms, and/or has population frequency not consistent with disease.

NM_000742.4(CHRNA2):c.340-336C>A

Gene: CHRNA2 (cholinergic receptor nicotinic alpha 2 subunit; minus strand). Cytogenetic location: 8p21.2.
Variant type: single nucleotide variant.
Coding change: c.340-336C>A on transcript NM_000742.4 (MANE Select); 336 bases into the intron before coding-DNA position 340, C replaced by A.
Molecular consequence: intron variant.
Genome position (GRCh38, 1-based): chr8:27,467,674, G>T on the plus strand (C>A on the coding strand, the complement: CHRNA2 is on the minus strand). VCF-style: chr8-27467674-G-T. GRCh37 (hg19) VCF-style: chr8-27325191-G-T.
Other names: c.-133-336C>A (NM_001347705.2, NM_001347706.2); c.295-336C>A (NM_001282455.2); c.-122-336C>A (NM_001347708.2); c.-119-336C>A (NM_001347707.2).
Identifiers: ClinVar variation 668811 (VCV000668811.1), dbSNP rs2099166, ClinGen allele CA12859631.
Genomic context (GRCh38, chr8:27,467,674, plus strand): 5'-CTGGCTGGACGACCTTGGTGGGCCACCTCACTCATCTCTAGTGAAATCTCTCATTTTTAG[G>T]GCATCACAGTTTATGGTTTGTTTTATGCTCTCCATCTAGGAAAAGCCTCCACGGGAGAGC-3'